The following is an entry in ClinVar:

NM_032242.4(PLXNA1):c.2751G>C (p.Ala917=)

Gene: PLXNA1 (plexin A1; plus strand). Cytogenetic location: 3q21.3.
Variant type: single nucleotide variant.
Coding change: c.2751G>C on transcript NM_032242.4 (MANE Select); coding-DNA position 2751, G replaced by C.
Protein change: p.Ala917=; no amino-acid change (alanine 917 retained).
Molecular consequence: synonymous variant.
Genome position (GRCh38, 1-based): chr3:127,014,624, G>C. VCF-style: chr3-127014624-G-C. GRCh37 (hg19) VCF-style: chr3-126733467-G-C.
Identifiers: ClinVar variation 4991539 (VCV004991539.1).

ClinVar aggregate classification (germline): Likely benign (1 of 4 stars; one submission).

Conditions:
PLXNA1-related disorder. Also called: PLXNA1-related condition.

gnomAD v4.1: 1 of 1,612,944 alleles (0.000062%); highest among the groups gnomAD compares: African/African-American, 0.0013%; no homozygotes.

Submission:

PreventionGenetics, part of Exact Sciences
Classification: Likely benign for PLXNA1-related condition. Last evaluated: 2026-07-02. Review status: criteria provided, single submitter. Criteria: ACMG Guidelines, 2015. Collection method: clinical testing. Allele origin: germline.
Comment: This variant is classified as likely benign based on ACMG/AMP sequence variant interpretation guidelines (Richards et al. 2015 PMID: 25741868, with internal and published modifications).